The following is an entry in ClinVar:

ClinVar aggregate classification (germline): Likely pathogenic. Review status: reviewed by expert panel (3 of 4 stars). 4 submissions from 4 submitters: Likely pathogenic (1). 3 of the submissions do not count toward it. Last evaluated 2025-12-12.

Conditions:
ACVRL1-related disorder. Also called: ACVRL1-related condition; ACVRL1-related disorders.
Telangiectasia, hereditary hemorrhagic, type 2 (HHT2). Also called: ACVRL1-Related Hereditary Hemorrhagic Telangiectasia; Telangiectasia, hereditary hemorrhagic, type II. Identifiers: Orphanet 774, MedGen C1838163, MONDO:0010880, OMIM 600376. Disease mechanism: loss of function.

Allele frequency attached by ClinVar (database versions not stated): gnomAD exomes below 0.00001.
gnomAD v4.1: 1 of 1,610,986 alleles (0.000062%); highest among the groups gnomAD compares: Non-Finnish European, 0.000085%; no homozygotes.

Submissions (4):

ClinGen Hereditary Hemorrhagic Telangiectasia Variant Curation Expert Panel, ClinGen
Classification: Likely pathogenic for Telangiectasia, hereditary hemorrhagic, type 2. Last evaluated: 2025-12-12. Review status: reviewed by expert panel. Criteria: ClinGen HHT ACMG Specifications ACVRL1 V1.1.0. Collection method: curation. Allele origin: germline. Inheritance: Autosomal dominant inheritance.
Comment: The NM_000020.3: c.266G>T variant in ACVRL1 is a missense variant predicted to cause substitution of cysteine by phenylalanine at amino acid 89 (p.Cys89Phe). This variant is absent from gnomAD v2.1.1 (PM2_Supporting). This variant has been reported in 2 probands with a phenotype consistent with Hereditary Hemorrhagic Telangiectasia (PS4_Supporting, Internal lab contributors). The computational predictor REVEL gives a score of 0.899, which is above the threshold used for predicting a damaging impact on ACVRL1 function (PP3). Other missense variants, c.265T>A (p.Cys89Ser), c.265T>G (p.Cys89Gly), c.265T>C (p.Cys89Arg), and c.267C>G (p.Cys89Trp) in the same codon have been classified as likely pathogenic/pathogenic for Hereditary Hemorrhagic Telangiectasia by the ClinGen Hereditary Hemorrhagic Telangiectasia Variant Curation Expert Panel rules (PM5_Strong). In summary, this variant meets the criteria to be classified as a variant of uncertain significance for autosomal dominant hereditary hemorrhagic telangiectasia based on the ACMG/AMP criteria applied, as specified by the ClinGen Hereditary Hemorrhagic Telangiectasia Variant Curation Exper Panel. Approved by Expert Panel: 12/12/2025. Evidence used: PM5_Strong, PS4_supporting, PM2_Supporting, and PP3 (specification version 1.1.0; 12/12/2025).

GeneDx
Classification: Uncertain significance. Last evaluated: 2026-03-23. Review status: criteria provided, single submitter. Criteria: GeneDx Variant Classification Process June 2021. Collection method: clinical testing. Allele origin: germline. Not counted in ClinVar's aggregate classification.
Comment: In silico analysis supports that this missense variant has a deleterious effect on protein structure/function; Not observed at significant frequency in large population cohorts (gnomAD); This variant is associated with the following publications: (PMID: 41670011)

PreventionGenetics, part of Exact Sciences
Classification: Uncertain significance for ACVRL1-related condition. Last evaluated: 2022-12-29. Review status: criteria provided, single submitter. Criteria: ACMG Guidelines, 2015. Collection method: clinical testing. Allele origin: germline. Not counted in ClinVar's aggregate classification.
Comment: The ACVRL1 c.266G>T variant is predicted to result in the amino acid substitution p.Cys89Phe. To our knowledge, this variant has not been reported in the literature or in a large population database, indicating this variant is rare. Of note, other missense variants at the same amino acid (p.Cys89Arg and p.Cys89Tyr) have been reported in patients with hereditary hemorrhagic telangiectasia (HHT) (Table S1 in McDonald et al. 2020. PubMed ID: 32300199; Olivieri et al. 2007. PubMed ID: 17786384). Although we suspect that the c.266G>T (p.Cys89Phe) variant may be pathogenic, at this time, the clinical significance of this variant is uncertain due to the absence of conclusive functional and genetic evidence.

Labcorp Genetics (formerly Invitae), Labcorp
Classification: Likely pathogenic for Telangiectasia, hereditary hemorrhagic, type 2. Last evaluated: 2022-07-11. Review status: criteria provided, single submitter. Criteria: Invitae Variant Classification Sherloc (09022015). Collection method: clinical testing. Allele origin: germline. Not counted in ClinVar's aggregate classification.
Comment: In summary, the currently available evidence indicates that the variant is pathogenic, but additional data are needed to prove that conclusively. Therefore, this variant has been classified as Likely Pathogenic. This variant disrupts the p.Cys89 amino acid residue in ACVRL1. Other variant(s) that disrupt this residue have been observed in individuals with ACVRL1-related conditions (Invitae), which suggests that this may be a clinically significant amino acid residue. This variant affects a cysteine residue located within the ACVRL1 protein ectodomain. Cysteine residues in this domain of ACVRL1 are involved in the formation of disulfide bridges critical for protein structure and stability (PMID: 22028876, 22718755, 22799562). In addition, missense substitutions within the ACVRL1 ectodomain affecting cysteine residues are overrepresented in patients with HHT (PMID: 20501893, 26176610 and an online resource). Algorithms developed to predict the effect of missense changes on protein structure and function (SIFT, PolyPhen-2, Align-GVGD) all suggest that this variant is likely to be disruptive. ClinVar contains an entry for this variant (Variation ID: 411299). This missense change has been observed in individuals with hereditary hemorrhagic telangiectasia (Invitae). This variant is not present in population databases (gnomAD no frequency). This sequence change replaces cysteine, which is neutral and slightly polar, with phenylalanine, which is neutral and non-polar, at codon 89 of the ACVRL1 protein (p.Cys89Phe).

Literature cited by the submitters: PubMed 22028876 (cited by Labcorp Genetics (formerly Invitae), Labcorp); PubMed 22718755 (cited by Labcorp Genetics (formerly Invitae), Labcorp); PubMed 22799562 (cited by Labcorp Genetics (formerly Invitae), Labcorp); PubMed 20501893 (cited by Labcorp Genetics (formerly Invitae), Labcorp); PubMed 26176610 (cited by Labcorp Genetics (formerly Invitae), Labcorp).

NM_000020.3(ACVRL1):c.266G>T (p.Cys89Phe)

Gene: ACVRL1 (activin A receptor like type 1; plus strand). Cytogenetic location: 12q13.13.
Variant type: single nucleotide variant.
Coding change: c.266G>T on transcript NM_000020.3 (MANE Select); coding-DNA position 266, G replaced by T.
Protein change: p.Cys89Phe; replaces cysteine 89 with phenylalanine.
Molecular consequence: missense variant.
Genome position (GRCh38, 1-based): chr12:51,913,303, G>T. VCF-style: chr12-51913303-G-T. GRCh37 (hg19) VCF-style: chr12-52307087-G-T.
Other names: NM_000020.3(ACVRL1):c.266G>T; p.Cys89Phe; c.266G>T, p.Cys89Phe (NM_001077401.2); short protein forms C89F.
Identifiers: ClinVar variation 411299 (VCV000411299.11), dbSNP rs1060503234, ClinGen allele CA16614039.